The following is an entry in ClinVar:

ClinVar aggregate classification (germline): Uncertain significance (1 of 4 stars; one submission).

gnomAD v4.1: 1 of 1,577,084 alleles (0.000063%); highest among the groups gnomAD compares: Admixed American, 0.0018%; no homozygotes.

Submission:

Labcorp Genetics (formerly Invitae), Labcorp
Classification: Uncertain significance. Last evaluated: 2024-11-05. Review status: criteria provided, single submitter. Criteria: Invitae Variant Classification Sherloc (09022015). Collection method: clinical testing. Allele origin: germline.
Comment: This sequence change replaces arginine, which is basic and polar, with glycine, which is neutral and non-polar, at codon 5841 of the ADGRV1 protein (p.Arg5841Gly). This variant is not present in population databases (gnomAD no frequency). This variant has not been reported in the literature in individuals affected with ADGRV1-related conditions. ClinVar contains an entry for this variant (Variation ID: 2006766). Invitae Evidence Modeling of protein sequence and biophysical properties (such as structural, functional, and spatial information, amino acid conservation, physicochemical variation, residue mobility, and thermodynamic stability) indicates that this missense variant is not expected to disrupt ADGRV1 protein function with a negative predictive value of 95%. In summary, the available evidence is currently insufficient to determine the role of this variant in disease. Therefore, it has been classified as a Variant of Uncertain Significance.

NM_032119.4(ADGRV1):c.17521A>G (p.Arg5841Gly)

Gene: ADGRV1 (adhesion G protein-coupled receptor V1; plus strand). Cytogenetic location: 5q14.3.
Variant type: single nucleotide variant.
Coding change: c.17521A>G on transcript NM_032119.4 (MANE Select); coding-DNA position 17521, A replaced by G.
Protein change: p.Arg5841Gly; replaces arginine 5841 with glycine.
Molecular consequence: missense variant. On other transcripts: non-coding transcript variant (1).
Genome position (GRCh38, 1-based): chr5:90,854,128, A>G. VCF-style: chr5-90854128-A-G. GRCh37 (hg19) VCF-style: chr5-90149945-A-G.
Other names: short protein forms R5841G.
Identifiers: ClinVar variation 2006766 (VCV002006766.4), dbSNP rs780043019, ClinGen allele CA360430565.